The following is an entry in ClinVar:

NM_032578.4(MYPN):c.166G>A (p.Gly56Ser)

Gene: MYPN (myopalladin; plus strand). Cytogenetic location: 10q21.3.
Variant type: single nucleotide variant.
Coding change: c.166G>A on transcript NM_032578.4 (MANE Select); coding-DNA position 166, G replaced by A.
Protein change: p.Gly56Ser; replaces glycine 56 with serine.
Molecular consequence: missense variant. On other transcripts: 5 prime UTR variant (1), non-coding transcript variant (1).
Genome position (GRCh38, 1-based): chr10:68,121,604, G>A. VCF-style: chr10-68121604-G-A. GRCh37 (hg19) VCF-style: chr10-69881361-G-A.
Other names: c.166G>A, p.Gly56Ser (NM_001256267.2); c.-957G>A (NM_001256268.2); short protein forms G56S.
Identifiers: ClinVar variation 5025309 (VCV005025309.1).

ClinVar aggregate classification (germline): Uncertain significance (1 of 4 stars; one submission).

Conditions:
Cardiovascular phenotype. Identifiers: MedGen CN230736.

Submission:

Ambry Genetics
Classification: Uncertain significance for Cardiovascular phenotype. Last evaluated: 2026-08-19. Review status: criteria provided, single submitter. Criteria: Ambry Variant Classification Scheme 2023. Collection method: clinical testing. Allele origin: germline.
Comment: The p.G56S variant (also known as c.166G>A), located in coding exon 1 of the MYPN gene, results from a G to A substitution at nucleotide position 166. The glycine at codon 56 is replaced by serine, an amino acid with similar properties. This amino acid position is conserved. In addition, this alteration is predicted to be tolerated by in silico analysis. Based on the available evidence, the clinical significance of this variant remains unclear.